The following is an entry in ClinVar:

ClinVar aggregate classification (germline): Uncertain significance. Review status: criteria provided, multiple submitters, no conflicts (2 of 4 stars). 2 submissions from 2 submitters: Uncertain significance (2). Last evaluated 2024-04-23.

gnomAD v4.1: 37 of 1,614,080 alleles (0.0023%); highest among the groups gnomAD compares: East Asian, 0.049%; no homozygotes.

Submissions (2):

Ambry Genetics
Classification: Uncertain significance. Last evaluated: 2024-04-23. Review status: criteria provided, single submitter. Criteria: Ambry Variant Classification Scheme 2023. Collection method: clinical testing. Allele origin: germline.

Labcorp Genetics (formerly Invitae), Labcorp
Classification: Uncertain significance. Last evaluated: 2024-04-06. Review status: criteria provided, single submitter. Criteria: Invitae Variant Classification Sherloc (09022015). Collection method: clinical testing. Allele origin: germline.
Comment: This sequence change replaces glutamic acid, which is acidic and polar, with lysine, which is basic and polar, at codon 3920 of the FAT2 protein (p.Glu3920Lys). This variant is present in population databases (rs767027389, gnomAD 0.008%). This variant has not been reported in the literature in individuals affected with FAT2-related conditions. An algorithm developed to predict the effect of missense changes on protein structure and function (PolyPhen-2) suggests that this variant is likely to be tolerated. In summary, the available evidence is currently insufficient to determine the role of this variant in disease. Therefore, it has been classified as a Variant of Uncertain Significance.

NM_001447.3(FAT2):c.11758G>A (p.Glu3920Lys)

Genes: FAT2 (FAT atypical cadherin 2; minus strand), SLC36A1 (solute carrier family 36 member 1; plus strand). Cytogenetic location: 5q33.1.
Variant type: single nucleotide variant.
Coding change: c.11758G>A on transcript NM_001447.3 (MANE Select); coding-DNA position 11758, G replaced by A.
Protein change: p.Glu3920Lys; replaces glutamic acid 3920 with lysine.
Molecular consequence: missense variant.
Genome position (GRCh38, 1-based): chr5:151,512,312, C>T on the plus strand (G>A on the coding strand, the complement: FAT2 is on the minus strand). VCF-style: chr5-151512312-C-T. GRCh37 (hg19) VCF-style: chr5-150891873-C-T.
Other names: short protein forms E3920K.
Identifiers: ClinVar variation 3277805 (VCV003277805.3).